The following is an entry in ClinVar:

ClinVar aggregate classification (germline): Pathogenic (1 of 4 stars; one submission).

Conditions:
Multiple endocrine neoplasia, type 2 (MEN2). Identifiers: Orphanet 653, MedGen C4048306, MONDO:0019003. Disease mechanism: gain of function.

Submission:

Labcorp Genetics (formerly Invitae), Labcorp
Classification: Pathogenic for Multiple endocrine neoplasia, type 2. Last evaluated: 2022-04-12. Review status: criteria provided, single submitter. Criteria: Invitae Variant Classification Sherloc (09022015). Collection method: clinical testing. Allele origin: germline.
Comment: This missense change has been observed in individual(s) with pheochromocytoma or multiple endocrine neoplasia type 2 (PMID: 8557249, 11395220, 25720320, 28099363). Information on the frequency of this variant in the gnomAD database is not available, as this variant may be reported differently in the database. This sequence change replaces cysteine, which is neutral and slightly polar, with tyrosine, which is neutral and polar, at codon 611 of the RET protein (p.Cys611Tyr). Algorithms developed to predict the effect of missense changes on protein structure and function are either unavailable or do not agree on the potential impact of this missense change (SIFT: "Not Available"; PolyPhen-2: "Probably Damaging"; Align-GVGD: "Not Available"). For these reasons, this variant has been classified as Pathogenic. Experimental studies have shown that this missense change affects RET function (PMID: 9230192).

Literature cited by the submitters: PubMed 8557249; PubMed 11395220; PubMed 25720320; PubMed 28099363; PubMed 9230192.

NM_020975.6(RET):c.1832_1833delinsAT (p.Cys611Tyr)

Gene: RET (ret proto-oncogene; plus strand). Cytogenetic location: 10q11.21.
Variant type: Indel.
Coding change: c.1832_1833delinsAT on transcript NM_020975.6 (MANE Select); coding-DNA positions 1832 to 1833, GC replaced by AT.
Protein change: p.Cys611Tyr; replaces cysteine 611 with tyrosine.
Molecular consequence: missense variant.
Genome position (GRCh38, 1-based): chr10:43,113,628-43,113,629, GC replaced by AT. VCF-style: chr10-43113628-GC-AT. GRCh37 (hg19) VCF-style: chr10-43609076-GC-AT.
Other names: c.1832_1833delGCinsAT, p.Cys611Tyr (NM_000323.2, NM_001406743.1, NM_001406744.1 and 6 more transcripts); c.1070_1071delGCinsAT, p.Cys357Tyr (NM_001355216.2); c.1703_1704delGCinsAT, p.Cys568Tyr (NM_001406761.1, NM_001406762.1, NM_001406764.1 and 1 more transcripts); c.1544_1545delGCinsAT, p.Cys515Tyr (NM_001406766.1, NM_001406767.1, NM_001406770.1); c.1436_1437delGCinsAT, p.Cys479Tyr (NM_001406769.1, NM_001406772.1); c.1394_1395delGCinsAT, p.Cys465Tyr (NM_001406771.1, NM_001406773.1); c.1307_1308delGCinsAT, p.Cys436Tyr (NM_001406774.1); c.1106_1107delGCinsAT, p.Cys369Tyr (NM_001406775.1, NM_001406776.1, NM_001406777.1 and 1 more transcripts); and 5 more; short protein forms C611Y, C357Y, C216Y, C281Y, C515Y, C128Y, C269Y, C479Y.
Identifiers: ClinVar variation 2136858 (VCV002136858.4), dbSNP rs377767398, ClinGen allele CA007894.
Genomic context (GRCh38, chr10:43,113,628, plus strand): 5'-TTGGGGGACACGAGCCTGGGGAGCCCCGGGGGATTAAAGCTGGCTATGGCACCTGCAACT[GC>AT]TTCCCTGAGGAGGAGAAGTGCTTCTGCGAGCCCGAAGACATCCAGGGTGAGTGGGTGGCG-3'
Protein context (NP_066124.1, residues 601-621): GIKAGYGTCN[Cys611Tyr]FPEEEKCFCE